The following is an entry in ClinVar:

ClinVar aggregate classification (germline): Uncertain significance (1 of 4 stars; one submission).

gnomAD v4.1: 1 of 1,614,078 alleles (0.000062%); highest among the groups gnomAD compares: South Asian, 0.0011%; no homozygotes.

Submission:

Labcorp Genetics (formerly Invitae), Labcorp
Classification: Uncertain significance. Last evaluated: 2023-09-22. Review status: criteria provided, single submitter. Criteria: Invitae Variant Classification Sherloc (09022015). Collection method: clinical testing. Allele origin: germline.
Comment: Advanced modeling of protein sequence and biophysical properties (such as structural, functional, and spatial information, amino acid conservation, physicochemical variation, residue mobility, and thermodynamic stability) performed at Invitae indicates that this missense variant is not expected to disrupt EMC1 protein function. In summary, the available evidence is currently insufficient to determine the role of this variant in disease. Therefore, it has been classified as a Variant of Uncertain Significance. This variant has not been reported in the literature in individuals affected with EMC1-related conditions. This variant is not present in population databases (gnomAD no frequency). This sequence change replaces asparagine, which is neutral and polar, with lysine, which is basic and polar, at codon 282 of the EMC1 protein (p.Asn282Lys).

NM_015047.3(EMC1):c.846C>G (p.Asn282Lys)

Genes: EMC1 (ER membrane protein complex subunit 1; minus strand), EMC1-AS1 (EMC1 antisense RNA 1; plus strand). Cytogenetic location: 1p36.13.
Variant type: single nucleotide variant.
Coding change: c.846C>G on transcript NM_015047.3 (MANE Select); coding-DNA position 846, C replaced by G.
Protein change: p.Asn282Lys; replaces asparagine 282 with lysine.
Molecular consequence: missense variant.
Genome position (GRCh38, 1-based): chr1:19,239,926, G>C on the plus strand (C>G on the coding strand, the complement: EMC1 is on the minus strand). VCF-style: chr1-19239926-G-C. GRCh37 (hg19) VCF-style: chr1-19566420-G-C.
Other names: c.846C>G, p.Asn282Lys (NM_001271427.2, NM_001271428.2, NM_001375820.1 and 1 more transcripts); c.780C>G, p.Asn260Lys (NM_001271429.2); short protein forms N260K, N282K.
Identifiers: ClinVar variation 2762672 (VCV002762672.3), dbSNP rs2536780876, ClinGen allele CA338768273.
Genomic context (GRCh38, chr1:19,239,926, plus strand): 5'-CAGAGCATAGTGGCTTGGGGACAAGTGCAGGAAGAACTGGGCCCGGGAAGCGTCCACTGG[G>C]TTGGGCTGGGTAGGCAGGACCCGGGGTTGGAATCCACTTCCAAATTCTAAGTCGAGAGAC-3'
Protein context (NP_055862.1, residues 272-292): FQPRVLPTQP[Asn282Lys]PVDASRAQFF